The following is an entry in ClinVar:

ClinVar aggregate classification (germline): Uncertain significance (1 of 4 stars; one submission).

Conditions:
Hereditary cancer-predisposing syndrome. Also called: Tumor predisposition; Hereditary Cancer Syndrome; Neoplastic Syndromes, Hereditary; Hereditary neoplastic syndrome. Identifiers: Orphanet 140162, MedGen C0027672, MeSH D009386, MONDO:0015356.

Submission:

Ambry Genetics
Classification: Uncertain significance for Hereditary cancer-predisposing syndrome. Last evaluated: 2021-08-15. Review status: criteria provided, single submitter. Criteria: Ambry Variant Classification Scheme 2023. Collection method: clinical testing. Allele origin: germline.
Comment: The p.S880C variant (also known as c.2639C>G), located in coding exon 18 of the BRIP1 gene, results from a C to G substitution at nucleotide position 2639. The serine at codon 880 is replaced by cysteine, an amino acid with dissimilar properties. This amino acid position is conserved. In addition, the in silico prediction for this alteration is inconclusive. Since supporting evidence is limited at this time, the clinical significance of this alteration remains unclear.

NM_032043.3(BRIP1):c.2639C>G (p.Ser880Cys)

Gene: BRIP1 (BRCA1 interacting DNA helicase 1; minus strand). Cytogenetic location: 17q23.2.
Variant type: single nucleotide variant.
Coding change: c.2639C>G on transcript NM_032043.3 (MANE Select); coding-DNA position 2639, C replaced by G.
Protein change: p.Ser880Cys; replaces serine 880 with cysteine.
Molecular consequence: missense variant.
Genome position (GRCh38, 1-based): chr17:61,686,102, G>C on the plus strand (C>G on the coding strand, the complement: BRIP1 is on the minus strand). VCF-style: chr17-61686102-G-C. GRCh37 (hg19) VCF-style: chr17-59763463-G-C.
Other names: short protein forms S880C.
Identifiers: ClinVar variation 1794153 (VCV001794153.2), dbSNP rs1217852974, ClinGen allele CA400481886.